The following is an entry in ClinVar:

NM_000342.4(SLC4A1):c.111del (p.His37fs)

Gene: SLC4A1 (solute carrier family 4 member 1 (Diego blood group); minus strand). Cytogenetic location: 17q21.31.
Variant type: Deletion.
Coding change: c.111del on transcript NM_000342.4 (MANE Select); coding-DNA position 111, one base deleted (C; older notation c.111delC).
Protein change: p.His37fs; shifts the reading frame from histidine 37.
Molecular consequence: frameshift variant.
Genome position (GRCh38, 1-based): chr17:44,261,632, G deleted on the plus strand (C on the coding strand, the reverse complement: SLC4A1 is on the minus strand). VCF-style (leftmost placement, unchanged base first): chr17-44261631-CG-C. GRCh37 (hg19) VCF-style: chr17-42338999-CG-C.
Other names: short protein forms H37fs.
Identifiers: ClinVar variation 4530604 (VCV004530604.1).
Genomic context (GRCh38, chr17:44,261,631, plus strand): 5'-TCACCTTGTGGGTACCCGGGTGTGATGTGGTGTGGTAGTCTGTGGCTGTTGCCTCGGTGT[CG>C]TGAGCTGAAAACCAGAGGTCGGTTAGTATTGACCTGACCGTCCCCCACCTGAGGCTCTTC-3'

ClinVar aggregate classification (germline): Pathogenic (1 of 4 stars; one submission).

Conditions:
Hereditary spherocytosis type 4. Also called: SLC4A1-Related Spherocytosis. Identifiers: Orphanet 822, MedGen C2675212, MONDO:0012981, OMIM 612653.

Submission:

MVZ Dr. Eberhard & Partner Dortmund
Classification: Pathogenic for Hereditary spherocytosis type 4. Last evaluated: 2025-11-03. Review status: criteria provided, single submitter. Criteria: ACMG Guidelines, 2015. Collection method: clinical testing. Allele origin: unknown. Inheritance: Autosomal dominant inheritance. Observed: 1 heterozygote.
Comment: This variant was supposed to cause a frameshift with a premature stop codon, thus leading to a null variant in a gene where LOF is a known mechanism of disease. The variant has not been reported in literature so far and was absent from public population databases (gnomAD v4.1.0). The patient´s phenotype is highly specific for disease.